The following is an entry in ClinVar:

NM_000059.4(BRCA2):c.793+1G>A

Gene: BRCA2 (BRCA2 DNA repair associated; plus strand). Cytogenetic location: 13q13.1.
Variant type: single nucleotide variant.
Coding change: c.793+1G>A on transcript NM_000059.4 (MANE Select); the canonical splice donor site of the intron after coding-DNA position 793, G replaced by A.
Molecular consequence: splice donor variant.
Genome position (GRCh38, 1-based): chr13:32,331,031, G>A. VCF-style: chr13-32331031-G-A. GRCh37 (hg19) VCF-style: chr13-32905168-G-A.
Other names: IVS9+1G>A; c.793+1G>A (NM_001406720.1, NM_001406719.1, NM_001406721.1); c.424+1G>A (NM_001406722.1).
Identifiers: ClinVar variation 52437 (VCV000052437.77), dbSNP rs81002846, ClinGen allele CA025342.

ClinVar aggregate classification (germline): Pathogenic/Likely pathogenic. Review status: criteria provided, multiple submitters, no conflicts (2 of 4 stars). 21 submissions from 21 submitters: Pathogenic (19); Likely pathogenic (1). 1 of the submissions does not count toward it. Last evaluated 2026-04-07.

Conditions:
Hereditary cancer-predisposing syndrome. Also called: Hereditary Cancer Syndrome; Tumor predisposition; Neoplastic Syndromes, Hereditary; Hereditary neoplastic syndrome. Identifiers: Orphanet 140162, MedGen C0027672, MeSH D009386, MONDO:0015356.
Hereditary breast ovarian cancer syndrome. Also called: Breast and ovarian cancer; BRCA1- and BRCA2-Associated Hereditary Breast and Ovarian Cancer; Hereditary breast and ovarian cancer; Hereditary breast and ovarian cancer syndrome (HBOC); Hereditary breast and ovarian cancer syndrome; Hereditary breast and/or ovarian cancer syndrome. Identifiers: Orphanet 145, MedGen C0677776, MeSH D061325, MONDO:0003582. Disease mechanism: loss of function.
Breast-ovarian cancer, familial, susceptibility to, 2 (BROVCA2). Also called: BRCA2 Hereditary Breast and Ovarian Cancer. Identifiers: Orphanet 145, MedGen C2675520, MONDO:0012933, OMIM 612555. Disease mechanism: loss of function.
Breast-ovarian cancer, familial, susceptibility to, 1 (BROVCA1). Also called: BRCA1 Hereditary Breast and Ovarian Cancer; OVARIAN CANCER, SUSCEPTIBILITY TO. Identifiers: Orphanet 145, MedGen C2676676, MONDO:0011450, OMIM 604370. Disease mechanism: loss of function.
Familial cancer of breast. Also called: BREAST CANCER, FAMILIAL; hereditary breast carcinoma; Hereditary breast cancer. Identifiers: Orphanet 227535, MedGen C0346153, MONDO:0016419, OMIM 114480. Disease mechanism: loss of function.

Allele frequency attached by ClinVar (database versions not stated): TOPMed below 0.00001; gnomAD 0.00001.
gnomAD v4.1: 2 of 1,599,576 alleles (0.00013%); highest among the groups gnomAD compares: African/African-American, 0.0013%; no homozygotes.

Submissions 1 to 8 of 21:

Women's Health and Genetics/Laboratory Corporation of America, LabCorp
Classification: Pathogenic for Hereditary breast ovarian cancer syndrome. Last evaluated: 2026-04-07. Review status: criteria provided, single submitter. Criteria: LabCorp Variant Classification Summary - May 2015. Collection method: clinical testing. Allele origin: germline.
Comment: Variant summary: BRCA2 c.793+1G>A is located in a canonical splice-site and is predicted to affect mRNA splicing resulting in a significantly altered protein due to either exon skipping, shortening, or inclusion of intronic material. Variants that disrupt the consensus splice site are a relatively common cause of aberrant splicing and loss of BRCA2 function. Several computational tools predict a significant impact on normal splicing: Four predict the variant abolishes a 5' splicing donor site. However, these predictions have yet to be confirmed by functional studies. The variant was absent in 248498 control chromosomes. c.793+1G>A has been observed in multiple individuals affected with Hereditary Breast And Ovarian Cancer Syndrome (HBOC) and individuals affected with HBOC-related cancers (e.g. Lowery_2018, Miguel_2021, Guindalini_2022). These data indicate that the variant is very likely to be associated with disease. The following publications have been ascertained in the context of this evaluation (PMID: 35264596, 29506128, 34567246). ClinVar contains an entry for this variant (Variation ID: 52437). Based on the evidence outlined above, the variant was classified as pathogenic.

CeGaT Center for Human Genetics Tuebingen
Classification: Pathogenic. Last evaluated: 2026-03-01. Review status: criteria provided, single submitter. Criteria: CeGaT Center For Human Genetics Tuebingen Variant Classification Criteria Version 2. Collection method: clinical testing. Allele origin: germline. Affected: yes. Observed: 1 variant allele.
Comment: BRCA2: PVS1, PM2

Dasa
Classification: Pathogenic. Last evaluated: 2025-11-19. Review status: criteria provided, single submitter. Criteria: DASA Assertion Criteria. Collection method: clinical testing. Allele origin: germline.
Comment: NM_000059.4(BRCA2):c.793+1G>A affects a canonical splice site and is predicted to disrupt normal RNA splicing, leading to loss of normal protein function. Loss-of-function is an established mechanism of disease for this gene. This variant results in the same amino acid change as a previously established pathogenic variant. This variant has been reported in individuals with related phenotype (PMID: 30883759). Based on the available data, this variant is classified as pathogenic.

Institute of Immunology and Genetics Kaiserslautern
Classification: Pathogenic for Breast-ovarian cancer, familial, susceptibility to, 1. Last evaluated: 2025-07-29. Review status: criteria provided, single submitter. Criteria: ACMG Guidelines, 2015. Collection method: clinical testing. Allele origin: germline. Affected: yes.
Comment: ACMG Criteria: PVS1, PM2, PP3, PP5_M.

Labcorp Genetics (formerly Invitae), Labcorp
Classification: Pathogenic for Hereditary breast ovarian cancer syndrome. Last evaluated: 2025-02-27. Review status: criteria provided, single submitter. Criteria: Invitae Variant Classification Sherloc (09022015). Collection method: clinical testing. Allele origin: germline.
Comment: This sequence change affects a donor splice site in intron 9 of the BRCA2 gene. RNA analysis indicates that disruption of this splice site induces altered splicing and may result in an absent or altered protein product. This variant is present in population databases (rs81002846, gnomAD 0.01%). Disruption of this splice site has been observed in individual(s) with breast and/or ovarian cancer and with pancreatic cancer (PMID: 23961350, 29093764, 29446198, 29483665, 29506128). ClinVar contains an entry for this variant (Variation ID: 52437). Studies have shown that disruption of this splice site alters mRNA splicing and is expected to lead to the loss of protein expression (PMID: 30883759; internal data). For these reasons, this variant has been classified as Pathogenic.

Ambry Genetics
Classification: Pathogenic for Hereditary cancer-predisposing syndrome. Last evaluated: 2024-12-17. Review status: criteria provided, single submitter. Criteria: Ambry Variant Classification Scheme 2023. Collection method: clinical testing. Allele origin: germline.
Comment: The c.793+1G>A intronic pathogenic mutation results from a G to A substitution one nucleotide after coding exon 8 of the BRCA2 gene. This nucleotide position is highly conserved in available vertebrate species. This alteration has been reported in multiple individuals from breast, ovarian, and pancreatic cancer cohorts (Lowery M et al. J. Natl. Cancer Inst. 2018 10;110(10):1067-1074; Rebbeck T et al. Hum. Mutat. 2018 05;39(5):593-620; Teixeira N et al. Eur. J. Hum. Genet. 2018 06;26(6):848-857; Tsaousis G et al. BMC Cancer 2019 Jun;19(1)). RNA studies have demonstrated that this alteration results in abnormal splicing in the set of samples tested (Ambry internal data). In addition, a close match alteration, BRCA2 c.793+1G>T results in skipping of coding exon 8 (also called Exon 9) by minigene analysis (Fraile-Bethencourt E et al. J. Pathol., 2019 08;248:409-420). This variant is considered to be rare based on population cohorts in the Genome Aggregation Database (gnomAD). Alterations that disrupt the canonical splice site are expected to cause aberrant splicing, resulting in an abnormal protein or a transcript that is subject to nonsense-mediated mRNA decay. Based on the supporting evidence, this alteration is interpreted as a disease-causing mutation.

Molecular Diagnostics Laboratory, Catalan Institute of Oncology
Classification: Pathogenic for Hereditary cancer-predisposing syndrome. Last evaluated: 2024-09-03. Review status: criteria provided, single submitter. Criteria: ClinGen BRCA1BRCA2 ACMG Specifications BRCA2 V1.0.0. Collection method: clinical testing. Allele origin: germline.
Comment: PVS1, PM2_Supporting, PP1_Moderate c.793+1G>A, located in a canonic splicing site of the BRCA2 gene, is predicted to alter splicing, probably causing the skipping of exon 9 (PVS1). It is not present in the population database gnomAD v2.1.1 (non-cancer, exome only subset)(PM2_supporting). The variant cosegregates with the disease (LR=18.6)(PMID:31131967)(PP1_Moderate). In addition, it was identified in the following databases: BRCA Exchange (Not Yet Reviewed), ClinVar (1x likely pathogenic, 9x pathogenic) and LOVD (5x pathogenic). Based on currently available information, c.793+1G>A is classified as a pathogenic variant according to ClinGen-BRCA1 and BRCA2 Guidelines version v1.0.0.

All of Us Research Program, National Institutes of Health
Classification: Pathogenic for Breast-ovarian cancer, familial, susceptibility to, 2. Last evaluated: 2024-01-08. Review status: criteria provided, single submitter. Criteria: ACMG Guidelines, 2015. Collection method: clinical testing. Allele origin: germline. Inheritance: Autosomal dominant inheritance. Observed: 1 variant allele, 1 heterozygote.
Comment: This variant causes a G to A nucleotide substitution at the +1 position of intron 9 of the BRCA2 gene. Splice site prediction tools predict that this variant may have a significant impact on RNA splicing. Although this prediction has not been confirmed in published RNA studies, this variant is expected to result in an absent or disrupted protein product. A variant at the same position, 793+1G>T, has been reported in RNA studies to result in exon 9 skipping and a premature translation stop signal (PMID: 30883759). This variant has been reported in four individuals affected with breast and/or ovarian cancer (PMID: 31125106, 35264596, 36980780, 3723905) and in four families among the CIMBA participants (PMID: 29446198). This variant has been reported in a multifactorial analysis with segregation, tumor pathology, co-occurrence and family history likelihood ratios for pathogenicity of 1.862, 1.07, 1.050 and 0.920, respectively (PMID: 31131967). This variant has been identified in 1/31208 chromosomes in the general population by the Genome Aggregation Database (gnomAD). Loss of BRCA2 function is a known mechanism of disease. Based on the available evidence, this variant is classified as Pathogenic.

This study involves interpretation of variants in research participants for the purpose of population health screening. Participant phenotype was not available at the time of variant classification. Additional details can be found in publication PMID: 35346344, PMCID: PMC8962531